The following is an entry in ClinVar:

ClinVar aggregate classification (germline): Likely benign (1 of 4 stars; one submission).

Allele frequency attached by ClinVar (database versions not stated): 1000 Genomes Project 0.00020; gnomAD exomes 0.00036; gnomAD 0.00040; 1000 Genomes Project 30x 0.00047; ExAC 0.00049; TOPMed 0.00049; ESP Exome Variant Server 0.00054.

Submission:

CeGaT Center for Human Genetics Tuebingen
Classification: Likely benign. Last evaluated: 2023-03-01. Review status: criteria provided, single submitter. Criteria: CeGaT Center For Human Genetics Tuebingen Variant Classification Criteria Version 2. Collection method: clinical testing. Allele origin: germline. Affected: yes. Observed: 1 variant allele.
Comment: IL16: BP4, BP7

NM_172217.5(IL16):c.3546C>A (p.Leu1182=)

Gene: IL16 (interleukin 16; plus strand). Cytogenetic location: 15q25.1.
Variant type: single nucleotide variant.
Coding change: c.3546C>A on transcript NM_172217.5 (MANE Select); coding-DNA position 3546, C replaced by A.
Protein change: p.Leu1182=; no amino-acid change (leucine 1182 retained).
Molecular consequence: synonymous variant. On other transcripts: non-coding transcript variant (1).
Genome position (GRCh38, 1-based): chr15:81,306,033, C>A. VCF-style: chr15-81306033-C-A. GRCh37 (hg19) VCF-style: chr15-81598374-C-A.
Other names: c.3546C>A, p.Leu1182= (NM_001172128.2); c.1716C>A, p.Leu572= (NM_001352684.2); c.3036C>A, p.Leu1012= (NM_001352685.2); c.3699C>A, p.Leu1233= (NM_001352686.2); c.1443C>A, p.Leu481= (NM_004513.6).
Identifiers: ClinVar variation 2645634 (VCV002645634.24), dbSNP rs150362407, ClinGen allele CA7695680.